The following is an entry in ClinVar:

NM_007144.3(PCGF2):c.133C>T (p.Arg45Cys)

Gene: PCGF2 (polycomb group ring finger 2; minus strand). Cytogenetic location: 17q12.
Variant type: single nucleotide variant.
Coding change: c.133C>T on transcript NM_007144.3 (MANE Select); coding-DNA position 133, C replaced by T.
Protein change: p.Arg45Cys; replaces arginine 45 with cysteine.
Molecular consequence: missense variant.
Genome position (GRCh38, 1-based): chr17:38,739,662, G>A on the plus strand (C>T on the coding strand, the complement: PCGF2 is on the minus strand). VCF-style: chr17-38739662-G-A. GRCh37 (hg19) VCF-style: chr17-36895915-G-A.
Other names: c.133C>T, p.Arg45Cys (NM_001369614.1, NM_001369615.1); c.133C>T (NM_007144.2); short protein forms R45C.
Identifiers: ClinVar variation 2167288 (VCV002167288.5), dbSNP rs147291159, ClinGen allele CA8525134.

ClinVar aggregate classification (germline): Uncertain significance. Review status: criteria provided, multiple submitters, no conflicts (2 of 4 stars). 2 submissions from 2 submitters: Uncertain significance (2). Last evaluated 2025-09-28.

Conditions:
Inborn genetic diseases. Identifiers: MedGen C0950123, MeSH D030342.

Allele frequency attached by ClinVar (database versions not stated): gnomAD exomes 0.00001; ExAC 0.00002; gnomAD 0.00002; TOPMed 0.00004; ESP Exome Variant Server 0.00015.

Submissions (2):

Ambry Genetics
Classification: Uncertain significance for Inborn genetic diseases. Last evaluated: 2025-09-28. Review status: criteria provided, single submitter. Criteria: Ambry Variant Classification Scheme 2023. Collection method: clinical testing. Allele origin: germline.

Labcorp Genetics (formerly Invitae), Labcorp
Classification: Uncertain significance. Last evaluated: 2024-10-22. Review status: criteria provided, single submitter. Criteria: Invitae Variant Classification Sherloc (09022015). Collection method: clinical testing. Allele origin: germline.
Comment: This sequence change replaces arginine, which is basic and polar, with cysteine, which is neutral and slightly polar, at codon 45 of the PCGF2 protein (p.Arg45Cys). This variant is present in population databases (rs147291159, gnomAD 0.02%). This variant has not been reported in the literature in individuals affected with PCGF2-related conditions. ClinVar contains an entry for this variant (Variation ID: 2167288). Invitae Evidence Modeling of protein sequence and biophysical properties (such as structural, functional, and spatial information, amino acid conservation, physicochemical variation, residue mobility, and thermodynamic stability) indicates that this missense variant is not expected to disrupt PCGF2 protein function with a negative predictive value of 80%. In summary, the available evidence is currently insufficient to determine the role of this variant in disease. Therefore, it has been classified as a Variant of Uncertain Significance.